The following is an entry in ClinVar:

NM_000088.4(COL1A1):c.1821del (p.Gly608fs)

Gene: COL1A1 (collagen type I alpha 1 chain; minus strand). Cytogenetic location: 17q21.33.
Variant type: Deletion.
Coding change: c.1821del on transcript NM_000088.4 (MANE Select); coding-DNA position 1821, one base deleted (C; older notation c.1821delC).
Protein change: p.Gly608fs; shifts the reading frame from glycine 608.
Molecular consequence: frameshift variant.
Genome position (GRCh38, 1-based): chr17:50,192,994, G deleted on the plus strand (C on the coding strand, the reverse complement: COL1A1 is on the minus strand). VCF-style (leftmost placement, unchanged base first): chr17-50192993-CG-C. GRCh37 (hg19) VCF-style: chr17-48270354-CG-C.
Other names: short protein forms G608fs.
Identifiers: ClinVar variation 1074183 (VCV001074183.7), dbSNP rs2144565471, ClinGen allele CA2499224729.

ClinVar aggregate classification (germline): Pathogenic (1 of 4 stars; one submission).

Conditions:
Osteogenesis imperfecta type I (OI1). Also called: OI, TYPE I; OSTEOGENESIS IMPERFECTA TARDA; OSTEOGENESIS IMPERFECTA WITH BLUE SCLERAE; Osteogenesis imperfecta type 1; Classic Non-deforming Osteogenesis Imperfecta with Blue Sclerae; Lobstein's Disease. Identifiers: Orphanet 216796, Orphanet 666, MedGen C0023931, MONDO:0008146, OMIM 166200. Disease mechanism: loss of function.

Submission:

Labcorp Genetics (formerly Invitae), Labcorp
Classification: Pathogenic for Osteogenesis imperfecta type I. Last evaluated: 2022-05-03. Review status: criteria provided, single submitter. Criteria: Invitae Variant Classification Sherloc (09022015). Collection method: clinical testing. Allele origin: germline.
Comment: Algorithms developed to predict the effect of sequence changes on RNA splicing suggest that this variant may disrupt the consensus splice site. For these reasons, this variant has been classified as Pathogenic. ClinVar contains an entry for this variant (Variation ID: 1074183). This variant has not been reported in the literature in individuals affected with COL1A1-related conditions. This variant is not present in population databases (gnomAD no frequency). This sequence change creates a premature translational stop signal (p.Gly608Valfs*158) in the COL1A1 gene. It is expected to result in an absent or disrupted protein product. Loss-of-function variants in COL1A1 are known to be pathogenic (PMID: 7942841, 9295084, 9443882).

Literature cited by the submitters: PubMed 7942841; PubMed 9295084; PubMed 9443882.